The following is an entry in ClinVar:

NM_006785.4(MALT1):c.1321del (p.Cys441fs)

Gene: MALT1 (MALT1 paracaspase; plus strand). Cytogenetic location: 18q21.32.
Variant type: Deletion.
Coding change: c.1321del on transcript NM_006785.4 (MANE Select); coding-DNA position 1321, one base deleted (T; older notation c.1321delT).
Protein change: p.Cys441fs; shifts the reading frame from cysteine 441.
Molecular consequence: frameshift variant.
Genome position (GRCh38, 1-based): chr18:58,733,495, T deleted. VCF-style (leftmost placement, unchanged base first): chr18-58733494-GT-G. GRCh37 (hg19) VCF-style: chr18-56400726-GT-G.
Other names: c.1288del, p.Cys430fs (NM_173844.3); short protein forms C430fs, C441fs.
Identifiers: ClinVar variation 935699 (VCV000935699.7), dbSNP rs2055182636, ClinGen allele CA1139666132.
Genomic context (GRCh38, chr18:58,733,494, plus strand): 5'-TGGGAACAGCTTCATGGTCCCCGTTGATGCTCCAAATCCATATAGGTCTGAAAATTGTCT[GT>G]GTGTACAAAATATACTGAAATTGATGCAAGAAAAAGAAACTGGACTTAATGTGTTCTTAT-3'

ClinVar aggregate classification (germline): Pathogenic (1 of 4 stars; one submission).

Conditions:
Combined immunodeficiency due to MALT1 deficiency. Also called: Immunodeficiency 12. Identifiers: Orphanet 397964, MedGen C3809583, MONDO:0014197, OMIM 615468.

Submission:

Labcorp Genetics (formerly Invitae), Labcorp
Classification: Pathogenic for Combined immunodeficiency due to MALT1 deficiency. Last evaluated: 2019-09-20. Review status: criteria provided, single submitter. Criteria: Invitae Variant Classification Sherloc (09022015). Collection method: clinical testing. Allele origin: germline.
Comment: For these reasons, this variant has been classified as Pathogenic. Loss-of-function variants in MALT1 are known to be pathogenic (PMID: 23727036, 25627829). This variant has not been reported in the literature in individuals with MALT1-related conditions. This variant is not present in population databases (ExAC no frequency). This sequence change creates a premature translational stop signal (p.Cys441Valfs*6) in the MALT1 gene. It is expected to result in an absent or disrupted protein product.

Literature cited by the submitters: PubMed 23727036; PubMed 25627829.